The following is an entry in ClinVar:

ClinVar aggregate classification (germline): Likely benign (0 of 4 stars; one submission).

Conditions:
LUZP4-related disorder. Also called: LUZP4-related condition.

Allele frequency attached by ClinVar (database versions not stated): 1000 Genomes Project 0.00053; 1000 Genomes Project 30x 0.00062; TOPMed 0.00103; gnomAD 0.00110; ExAC 0.00132; ESP Exome Variant Server 0.00142; gnomAD exomes 0.00171.
gnomAD v4.1: 2,034 of 1,209,487 alleles (0.17%); highest among the groups gnomAD compares: Non-Finnish European, 0.2%; 1 homozygote.

Submission:

PreventionGenetics, part of Exact Sciences
Classification: Likely benign for LUZP4-related condition. Last evaluated: 2019-03-18. Review status: no assertion criteria provided. Collection method: clinical testing. Allele origin: germline.
Comment: This variant is classified as likely benign based on ACMG/AMP sequence variant interpretation guidelines (Richards et al. 2015 PMID: 25741868, with internal and published modifications).

NM_016383.5(LUZP4):c.537G>A (p.Gln179=)

Gene: LUZP4 (leucine zipper protein 4; plus strand). Cytogenetic location: Xq23.
Variant type: single nucleotide variant.
Coding change: c.537G>A on transcript NM_016383.5 (MANE Select); coding-DNA position 537, G replaced by A.
Protein change: p.Gln179=; no amino-acid change (glutamine 179 retained).
Molecular consequence: synonymous variant.
Genome position (GRCh38, 1-based): chrX:115,306,399, G>A. VCF-style: chrX-115306399-G-A. GRCh37 (hg19) VCF-style: chrX-114540964-G-A.
Other names: c.291G>A, p.Gln97= (NM_001318840.2).
Identifiers: ClinVar variation 3035565 (VCV003035565.2), dbSNP rs2232735, ClinGen allele CA10496712.
Genomic context (GRCh38, chrX:115,306,399, plus strand): 5'-TGAGCGATCCCGAAACCACTTAGAGAGATCTCTTTCTCAGTCAGACAGATCTCAAGGGCA[G>A]CTAAAGAGACATCATCCCCAATATGAGAGATCTCATGGCCAATACAAGAGATCTCATGGT-3'
Protein context (NP_057467.1, residues 169-189): SLSQSDRSQG[Gln179=]LKRHHPQYER